The following is an entry in ClinVar:

ClinVar aggregate classification (germline): Uncertain significance (1 of 4 stars; one submission).

Conditions:
Immunodeficiency 39 (IMD39). Identifiers: Orphanet 574918, MedGen C4225358, MONDO:0014597, OMIM 616345.

Submission:

Labcorp Genetics (formerly Invitae), Labcorp
Classification: Uncertain significance for Immunodeficiency 39. Last evaluated: 2025-11-09. Review status: criteria provided, single submitter. Criteria: Invitae Variant Classification Sherloc (09022015). Collection method: clinical testing. Allele origin: germline.
Comment: This sequence change replaces alanine, which is neutral and non-polar, with aspartic acid, which is acidic and polar, at codon 223 of the IRF7 protein (p.Ala223Asp). This variant is not present in population databases (gnomAD no frequency). This variant has not been reported in the literature in individuals affected with IRF7-related conditions. ClinVar contains an entry for this variant (Variation ID: 2794927). Invitae Evidence Modeling of protein sequence and biophysical properties (such as structural, functional, and spatial information, amino acid conservation, physicochemical variation, residue mobility, and thermodynamic stability) indicates that this missense variant is not expected to disrupt IRF7 protein function with a negative predictive value of 80%. In summary, the available evidence is currently insufficient to determine the role of this variant in disease. Therefore, it has been classified as a Variant of Uncertain Significance.

NM_001572.5(IRF7):c.629C>A (p.Ala210Asp)

Gene: IRF7 (interferon regulatory factor 7; minus strand). Cytogenetic location: 11p15.5.
Variant type: single nucleotide variant.
Coding change: c.629C>A on transcript NM_001572.5 (MANE Select); coding-DNA position 629, C replaced by A.
Protein change: p.Ala210Asp; replaces alanine 210 with aspartic acid.
Molecular consequence: missense variant.
Genome position (GRCh38, 1-based): chr11:614,224, G>T on the plus strand (C>A on the coding strand, the complement: IRF7 is on the minus strand). VCF-style: chr11-614224-G-T. GRCh37 (hg19) VCF-style: chr11-614224-G-T.
Other names: c.629C>A, p.Ala210Asp (NM_004029.4); c.668C>A, p.Ala223Asp (NM_004031.4); short protein forms A210D, A223D.
Identifiers: ClinVar variation 2794927 (VCV002794927.3), dbSNP rs202174691, ClinGen allele CA378981543.